The following is an entry in ClinVar:

NM_153366.4(SVEP1):c.7591G>A (p.Glu2531Lys)

Gene: SVEP1 (sushi, von Willebrand factor type A, EGF and pentraxin domain containing 1; minus strand). Cytogenetic location: 9q31.3.
Variant type: single nucleotide variant.
Coding change: c.7591G>A on transcript NM_153366.4 (MANE Select); coding-DNA position 7591, G replaced by A.
Protein change: p.Glu2531Lys; replaces glutamic acid 2531 with lysine.
Molecular consequence: missense variant.
Genome position (GRCh38, 1-based): chr9:110,408,009, C>T on the plus strand (G>A on the coding strand, the complement: SVEP1 is on the minus strand). VCF-style: chr9-110408009-C-T. GRCh37 (hg19) VCF-style: chr9-113170289-C-T.
Other names: short protein forms E2531K.
Identifiers: ClinVar variation 2659412 (VCV002659412.24), dbSNP rs143931457, ClinGen allele CA5182005.
Genomic context (GRCh38, chr9:110,408,009, plus strand): 5'-AAGATGGGGCATCTACATCCCAATCACCTGTCTCTAAACAGGTCAAGGCACTGGGACCTT[C>T]GAGCCGAAAGCCTCGGTTGCAAGAGTAGGTAACGGTCTGTCCATAGTGTAGGTCCGTGTA-3'
Protein context (NP_699197.3, residues 2521-2541): TYSCNRGFRL[Glu2531Lys]GPSALTCLET

ClinVar aggregate classification (germline): Likely benign (1 of 4 stars; one submission).

Allele frequency attached by ClinVar (database versions not stated): 1000 Genomes Project 30x 0.00281; 1000 Genomes Project 0.00300; TOPMed 0.00526; ESP Exome Variant Server 0.00543; gnomAD 0.00579.
gnomAD v4.1: 11,368 of 1,613,930 alleles (0.7%); highest among the groups gnomAD compares: Non-Finnish European, 0.8%; 41 homozygotes.

Submission:

CeGaT Center for Human Genetics Tuebingen
Classification: Likely benign. Last evaluated: 2026-06-01. Review status: criteria provided, single submitter. Criteria: CeGaT Center For Human Genetics Tuebingen Variant Classification Criteria Version 2. Collection method: clinical testing. Allele origin: germline. Affected: yes. Observed: 2 variant alleles.
Comment: SVEP1: BP4, BS2